The following is an entry in ClinVar:

NM_001987.5(ETV6):c.1267C>T (p.Pro423Ser)

Gene: ETV6 (ETS variant transcription factor 6; plus strand). Cytogenetic location: 12p13.2.
Variant type: single nucleotide variant.
Coding change: c.1267C>T on transcript NM_001987.5 (MANE Select); coding-DNA position 1267, C replaced by T.
Protein change: p.Pro423Ser; replaces proline 423 with serine.
Molecular consequence: missense variant. On other transcripts: 3 prime UTR variant (1).
Genome position (GRCh38, 1-based): chr12:11,890,954, C>T. VCF-style: chr12-11890954-C-T. GRCh37 (hg19) VCF-style: chr12-12043888-C-T.
Other names: c.1264C>T, p.Pro422Ser (NM_001413913.1); c.1240C>T, p.Pro414Ser (NM_001413914.1); c.1003C>T, p.Pro335Ser (NM_001413915.1); c.*6C>T (NM_001413917.1); short protein forms P414S, P423S, P335S, P422S.
Identifiers: ClinVar variation 2786243 (VCV002786243.3), dbSNP rs2498210952, ClinGen allele CA384045084.

ClinVar aggregate classification (germline): Uncertain significance (1 of 4 stars; one submission).

Submission:

Labcorp Genetics (formerly Invitae), Labcorp
Classification: Uncertain significance. Last evaluated: 2024-03-07. Review status: criteria provided, single submitter. Criteria: Invitae Variant Classification Sherloc (09022015). Collection method: clinical testing. Allele origin: germline.
Comment: This sequence change replaces proline, which is neutral and non-polar, with serine, which is neutral and polar, at codon 423 of the ETV6 protein (p.Pro423Ser). This variant is not present in population databases (gnomAD no frequency). This variant has not been reported in the literature in individuals affected with ETV6-related conditions. Advanced modeling of protein sequence and biophysical properties (such as structural, functional, and spatial information, amino acid conservation, physicochemical variation, residue mobility, and thermodynamic stability) performed at Invitae indicates that this missense variant is expected to disrupt ETV6 protein function with a positive predictive value of 80%. In summary, the available evidence is currently insufficient to determine the role of this variant in disease. Therefore, it has been classified as a Variant of Uncertain Significance.